The following is an entry in ClinVar:

ClinVar aggregate classification (germline): Uncertain significance (1 of 4 stars; one submission).

Conditions:
Hereditary diffuse gastric adenocarcinoma (HDGC). Also called: DIFFUSE GASTRIC AND LOBULAR BREAST CANCER SYNDROME. Identifiers: Orphanet 26106, MedGen C1708349, MONDO:0007648, OMIM 137215.

Submission:

Labcorp Genetics (formerly Invitae), Labcorp
Classification: Uncertain significance for Hereditary diffuse gastric adenocarcinoma. Last evaluated: 2025-11-01. Review status: criteria provided, single submitter. Criteria: Invitae Variant Classification Sherloc (09022015). Collection method: clinical testing. Allele origin: germline.
Comment: This sequence change falls in intron 5 of the CDH1 gene. It does not directly change the encoded amino acid sequence of the CDH1 protein. It affects a nucleotide within the consensus splice site. This variant is not present in population databases (gnomAD no frequency). This variant has not been reported in the literature in individuals affected with CDH1-related conditions. Variants that disrupt the consensus splice site are a relatively common cause of aberrant splicing (PMID: 17576681, 9536098). Algorithms developed to predict the effect of sequence changes on RNA splicing suggest that this variant may disrupt the consensus splice site. In summary, the available evidence is currently insufficient to determine the role of this variant in disease. Therefore, it has been classified as a Variant of Uncertain Significance.

Literature cited by the submitters: PubMed 17576681; PubMed 9536098.

NM_004360.5(CDH1):c.687+3A>C

Gene: CDH1 (cadherin 1; plus strand). Cytogenetic location: 16q22.1.
Variant type: single nucleotide variant.
Coding change: c.687+3A>C on transcript NM_004360.5 (MANE Select); 3 bases into the intron after coding-DNA position 687, A replaced by C.
Molecular consequence: intron variant.
Genome position (GRCh38, 1-based): chr16:68,808,851, A>C. VCF-style: chr16-68808851-A-C. GRCh37 (hg19) VCF-style: chr16-68842754-A-C.
Other names: c.-929+3A>C (NM_001317185.2); c.-1133+3A>C (NM_001317186.2); c.687+3A>C (NM_001317184.2).
Identifiers: ClinVar variation 4730276 (VCV004730276.1).